The following is an entry in ClinVar:

NM_004100.5(EYA4):c.7G>A (p.Asp3Asn)

Gene: EYA4 (EYA transcriptional coactivator and phosphatase 4; plus strand). Cytogenetic location: 6q23.2.
Variant type: single nucleotide variant.
Coding change: c.7G>A on transcript NM_004100.5 (MANE Select); coding-DNA position 7, G replaced by A.
Protein change: p.Asp3Asn; replaces aspartic acid 3 with asparagine.
Molecular consequence: missense variant.
Genome position (GRCh38, 1-based): chr6:133,274,787, G>A. VCF-style: chr6-133274787-G-A. GRCh37 (hg19) VCF-style: chr6-133595925-G-A.
Other names: c.7G>A, p.Asp3Asn (NM_001301012.2, NM_001301013.2, NM_001370458.1 and 3 more transcripts); short protein forms D3N.
Identifiers: ClinVar variation 2492559 (VCV002492559.5), dbSNP rs2482318158, ClinGen allele CA365837690.

ClinVar aggregate classification (germline): Uncertain significance. Review status: criteria provided, multiple submitters, no conflicts (2 of 4 stars). 2 submissions from 2 submitters: Uncertain significance (2). Last evaluated 2025-06-03.

Conditions:
Cardiovascular phenotype. Identifiers: MedGen CN230736.
Dilated cardiomyopathy 1J (CMD1J). Also called: CARDIOMYOPATHY, DILATED, WITH SENSORINEURAL HEARING LOSS, AUTOSOMAL DOMINANT. Identifiers: Orphanet 217622, MedGen C1854368, MONDO:0011541, OMIM 605362.

Submissions (2):

Labcorp Genetics (formerly Invitae), Labcorp
Classification: Uncertain significance for Dilated cardiomyopathy 1J. Last evaluated: 2025-06-03. Review status: criteria provided, single submitter. Criteria: Invitae Variant Classification Sherloc (09022015). Collection method: clinical testing. Allele origin: germline.
Comment: This sequence change replaces aspartic acid, which is acidic and polar, with asparagine, which is neutral and polar, at codon 3 of the EYA4 protein (p.Asp3Asn). This variant is not present in population databases (gnomAD no frequency). This variant has not been reported in the literature in individuals affected with EYA4-related conditions. ClinVar contains an entry for this variant (Variation ID: 2492559). An algorithm developed to predict the effect of missense changes on protein structure and function (PolyPhen-2) suggests that this variant is likely to be tolerated. In summary, the available evidence is currently insufficient to determine the role of this variant in disease. Therefore, it has been classified as a Variant of Uncertain Significance.

Ambry Genetics
Classification: Uncertain significance for Cardiovascular phenotype. Last evaluated: 2023-03-01. Review status: criteria provided, single submitter. Criteria: Ambry Variant Classification Scheme 2023. Collection method: clinical testing. Allele origin: germline.